The following is an entry in ClinVar:

NM_000441.2(SLC26A4):c.1472T>C (p.Ile491Thr)

Gene: SLC26A4 (solute carrier family 26 member 4; plus strand). Cytogenetic location: 7q22.3.
Variant type: single nucleotide variant.
Coding change: c.1472T>C on transcript NM_000441.2 (MANE Select); coding-DNA position 1472, T replaced by C.
Protein change: p.Ile491Thr; replaces isoleucine 491 with threonine.
Molecular consequence: missense variant.
Genome position (GRCh38, 1-based): chr7:107,695,967, T>C. VCF-style: chr7-107695967-T-C. GRCh37 (hg19) VCF-style: chr7-107336412-T-C.
Other names: short protein forms I491T.
Identifiers: ClinVar variation 555073 (VCV000555073.6), dbSNP rs751744677, ClinGen allele CA4432832.

ClinVar aggregate classification (germline): Uncertain significance. Review status: criteria provided, multiple submitters, no conflicts (2 of 4 stars). 5 submissions from 5 submitters: Uncertain significance (4). 1 of the submissions does not count toward it. Last evaluated 2025-11-11.

Conditions:
Autosomal recessive nonsyndromic hearing loss 4 (DFNB4). Also called: FOXI1-Related Pendred Syndrome; KCNJ10-Related Pendred Syndrome; Deafness, autosomal recessive 4, with enlarged vestibular aqueduct; Deafness, autosomal recessive 4; NEUROSENSORY NONSYNDROMIC RECESSIVE DEAFNESS 4; Nonsyndromic enlarged vestibular aqueduct (NSEVA). Identifiers: Orphanet 90636, MedGen C3538946, MONDO:0010933, OMIM 600791.
Pendred syndrome (PDS). Also called: Pendred's syndrome; THYROID DYSHORMONOGENESIS 2B; THYROID HORMONOGENESIS, GENETIC DEFECT IN, 2B; DEAFNESS WITH GOITER; GOITER-DEAFNESS SYNDROME; HYPOTHYROIDISM, CONGENITAL, DUE TO DYSHORMONOGENESIS, 2B. Identifiers: Orphanet 705, MedGen C0271829, MONDO:0010134, OMIM 274600.
SLC26A4-related disorder. Also called: SLC26A4-related condition; SLC26A4-related disorders.

Allele frequency attached by ClinVar (database versions not stated): gnomAD 0.00001; TOPMed 0.00001; gnomAD exomes 0.00004; ExAC 0.00005.
gnomAD v4.1: 8 of 1,612,000 alleles (0.0005%); highest among the groups gnomAD compares: East Asian, 0.016%; no homozygotes.

Submissions (5):

PreventionGenetics, part of Exact Sciences
Classification: Uncertain significance for SLC26A4-related condition. Last evaluated: 2025-11-11. Review status: criteria provided, single submitter. Criteria: ACMG Guidelines, 2015. Collection method: clinical testing. Allele origin: germline.
Comment: The SLC26A4 c.1472T>C variant is predicted to result in the amino acid substitution p.Ile491Thr. This variant was reported without a second potentially causative SLC26A4 variant in at least one individual with non-syndromic deafness (Dai et al. 2008. PubMed ID: 19040761; Wu et al. 2019. PubMed ID: 30842343). This variant is reported in 0.060% of alleles in individuals of East Asian descent in gnomAD. At this time, the clinical significance of this variant is uncertain due to the absence of conclusive functional and genetic evidence.

GeneDx
Classification: Uncertain significance. Last evaluated: 2023-05-08. Review status: criteria provided, single submitter. Criteria: GeneDx Variant Classification Process June 2021. Collection method: clinical testing. Allele origin: germline. Affected: yes.
Comment: In silico analysis supports that this missense variant has a deleterious effect on protein structure/function; Identified in a patient with sensorineural hearing loss, enlarged vestibular aqueduct, and Mondini malformation in published literature, however, a second SLC26A4 variant was not identified (Dai et al., 2008); This variant is associated with the following publications: (PMID: 19744334, 33199029, 19040761, 26252218, 27771369, 30842343)

Blueprint Genetics
Classification: Uncertain significance. Last evaluated: 2019-04-18. Review status: criteria provided, single submitter. Criteria: ACMG Guidelines, 2015. Collection method: clinical testing. Allele origin: germline.

Juno Genomics, Hangzhou Juno Genomics, Inc
Classification: Uncertain significance for Autosomal recessive nonsyndromic hearing loss 4; Pendred syndrome. Review status: criteria provided, single submitter. Criteria: ACMG Guidelines, 2015. Collection method: clinical testing. Allele origin: germline.
Comment: Absent from controls (or at extremely low frequency if recessive) in Genome Aggregation Database.;Multiple lines of computational evidence support a deleterious effect on the gene or gene product.

Counsyl
Classification: Uncertain significance for Pendred syndrome. Last evaluated: 2017-11-13. Review status: no assertion criteria provided. Collection method: clinical testing. Allele origin: unknown. Not counted in ClinVar's aggregate classification.

Literature cited by the submitters: PubMed 27771369 (cited by Counsyl); PubMed 19744334 (cited by Counsyl); PubMed 19040761 (cited by Counsyl).